The following is an entry in ClinVar:

NM_000548.5(TSC2):c.1443+10C>T

Gene: TSC2 (TSC complex subunit 2; plus strand). Cytogenetic location: 16p13.3.
Variant type: single nucleotide variant.
Coding change: c.1443+10C>T on transcript NM_000548.5 (MANE Select); 10 bases into the intron after coding-DNA position 1443, C replaced by T.
Molecular consequence: intron variant.
Genome position (GRCh38, 1-based): chr16:2,063,063, C>T. VCF-style: chr16-2063063-C-T. GRCh37 (hg19) VCF-style: chr16-2113064-C-T.
Other names: c.1443+10C>T (NM_001114382.3, NM_021055.3, NM_001370405.1 and 3 more transcripts); c.1332+10C>T (NM_001318827.2); c.843+10C>T (NM_001318831.2); c.1296+10C>T (NM_001318829.2); c.1476+10C>T (NM_001318832.2).
Identifiers: ClinVar variation 1156154 (VCV001156154.10), dbSNP rs1222870951, ClinGen allele CA2201989513.

ClinVar aggregate classification (germline): Likely benign. Review status: criteria provided, multiple submitters, no conflicts (2 of 4 stars). 2 submissions from 2 submitters: Likely benign (2). Last evaluated 2025-05-14.

Conditions:
Tuberous sclerosis 2 (TSC2). Identifiers: Orphanet 805, MedGen C1860707, MONDO:0013199, OMIM 613254.

Submissions (2):

Myriad Genetics, Inc.
Classification: Likely benign for Tuberous sclerosis 2. Last evaluated: 2025-05-14. Review status: criteria provided, single submitter. Criteria: Myriad Autosomal Dominant, Autosomal Recessive and X-Linked Classification Criteria (2023). Collection method: clinical testing. Allele origin: unknown.
Comment: This variant is considered likely benign. This variant is intronic and is not expected to impact mRNA splicing.

Labcorp Genetics (formerly Invitae), Labcorp
Classification: Likely benign for Tuberous sclerosis 2. Last evaluated: 2023-03-20. Review status: criteria provided, single submitter. Criteria: Invitae Variant Classification Sherloc (09022015). Collection method: clinical testing. Allele origin: germline.